The following is an entry in ClinVar:

NM_001332.4(CTNND2):c.2931C>T (p.Asn977=)

Genes: CTNND2 (catenin delta 2; minus strand), LOC126807316 (BRD4-independent group 4 enhancer GRCh37_chr5:11022334-11023533; plus strand). Cytogenetic location: 5p15.2.
Variant type: single nucleotide variant.
Coding change: c.2931C>T on transcript NM_001332.4 (MANE Select); coding-DNA position 2931, C replaced by T.
Protein change: p.Asn977=; no amino-acid change (asparagine 977 retained).
Molecular consequence: synonymous variant. On other transcripts: non-coding transcript variant (1).
Genome position (GRCh38, 1-based): chr5:11,022,837, G>A on the plus strand (C>T on the coding strand, the complement: CTNND2 is on the minus strand). VCF-style: chr5-11022837-G-A. GRCh37 (hg19) VCF-style: chr5-11022949-G-A.
Other names: c.2658C>T, p.Asn886= (NM_001288715.1); c.1920C>T, p.Asn640= (NM_001288716.1); c.1632C>T, p.Asn544= (NM_001288717.2); c.1995C>T, p.Asn665= (NM_001364128.2); c.2931C>T (NM_001332.3).
Identifiers: ClinVar variation 1316432 (VCV001316432.5), dbSNP rs770835265, ClinGen allele CA3200464.

ClinVar aggregate classification (germline): Likely benign. Review status: criteria provided, multiple submitters, no conflicts (2 of 4 stars). 3 submissions from 3 submitters: Likely benign (2). 1 of the submissions does not count toward it. Last evaluated 2022-07-01.

Conditions:
CTNND2-related disorder. Also called: CTNND2-related condition.

Allele frequency attached by ClinVar (database versions not stated): gnomAD 0.00003 and 0.00005; TOPMed 0.00004; gnomAD exomes 0.00005 and 0.00007; ExAC 0.00008; 1000 Genomes Project 30x 0.00016.
gnomAD v4.1: 77 of 1,614,216 alleles (0.0048%); highest among the groups gnomAD compares: South Asian, 0.045%; 1 homozygote.

Submissions (3):

Blueprint Genetics
Classification: Likely benign. Last evaluated: 2022-07-01. Review status: criteria provided, single submitter. Criteria: ACMG Guidelines, 2015. Collection method: clinical testing. Allele origin: germline.

GeneDx
Classification: Likely benign. Last evaluated: 2021-03-09. Review status: criteria provided, single submitter. Criteria: GeneDx Variant Classification Process June 2021. Collection method: clinical testing. Allele origin: germline. Affected: yes.

PreventionGenetics, part of Exact Sciences
Classification: Likely benign for CTNND2-related condition. Last evaluated: 2019-04-08. Review status: no assertion criteria provided. Collection method: clinical testing. Allele origin: germline. Not counted in ClinVar's aggregate classification.
Comment: This variant is classified as likely benign based on ACMG/AMP sequence variant interpretation guidelines (Richards et al. 2015 PMID: 25741868, with internal and published modifications).